The following is an entry in ClinVar:

ClinVar aggregate classification (germline): Uncertain significance (1 of 4 stars; one submission).

Submission:

Labcorp Genetics (formerly Invitae), Labcorp
Classification: Uncertain significance. Last evaluated: 2025-09-08. Review status: criteria provided, single submitter. Criteria: Invitae Variant Classification Sherloc (09022015). Collection method: clinical testing. Allele origin: germline.
Comment: This sequence change falls in intron 27 of the LAMB1 gene. It does not directly change the encoded amino acid sequence of the LAMB1 protein. This variant is not present in population databases (gnomAD no frequency). This variant has not been reported in the literature in individuals affected with LAMB1-related conditions. ClinVar contains an entry for this variant (Variation ID: 2112473). Algorithms developed to predict the effect of sequence changes on RNA splicing suggest that this variant may disrupt the consensus splice site. In summary, the available evidence is currently insufficient to determine the role of this variant in disease. Therefore, it has been classified as a Variant of Uncertain Significance.

NM_002291.3(LAMB1):c.4189-17_4189-12del

Gene: LAMB1 (laminin subunit beta 1; minus strand). Cytogenetic location: 7q31.1.
Variant type: Deletion.
Coding change: c.4189-17_4189-12del on transcript NM_002291.3 (MANE Select); 17 bases into the intron before coding-DNA position 4189 through 12 bases into the intron before coding-DNA position 4189, 6 bases deleted (TCCTTG; older notation c.4189-17_4189-12delTCCTTG).
Molecular consequence: intron variant.
Genome position (GRCh38, 1-based): chr7:107,932,389-107,932,394, CAAGGA deleted on the plus strand (TCCTTG on the coding strand, the reverse complement: LAMB1 is on the minus strand). VCF-style (leftmost placement, unchanged base first): chr7-107932388-CCAAGGA-C. GRCh37 (hg19) VCF-style: chr7-107572833-CCAAGGA-C.
Identifiers: ClinVar variation 2112473 (VCV002112473.4), dbSNP rs2535391953, ClinGen allele CA2580076192.